The following is an entry in ClinVar:

NM_024422.6(DSC2):c.631-2A>G

Gene: DSC2 (desmocollin 2; minus strand). Cytogenetic location: 18q12.1.
Variant type: single nucleotide variant.
Coding change: c.631-2A>G on transcript NM_024422.6 (MANE Select); the canonical splice acceptor site of the intron before coding-DNA position 631, A replaced by G.
Molecular consequence: splice acceptor variant.
Genome position (GRCh38, 1-based): chr18:31,087,815, T>C on the plus strand (A>G on the coding strand, the complement: DSC2 is on the minus strand). VCF-style: chr18-31087815-T-C. GRCh37 (hg19) VCF-style: chr18-28667778-T-C.
Other names: IVS5AS, A-G, -2; c.631-2A>G (NM_004949.5); c.202-2A>G (NM_001406506.1, NM_001406507.1).
Identifiers: ClinVar variation 16850 (VCV000016850.29), dbSNP rs397514042, ClinGen allele CA022880.
Genomic context (GRCh38, chr18:31,087,815, plus strand): 5'-ATTAGGGGCAGTGGAAGTTCTGGAGTATACCCATCTGGAGTTGTTGCAAAGGCAATTATC[T>C]GTGAAGAGAGTAAAATAAGGAGAAAAGTGAAAATAATCTTTTAAAATGAGGTATGCTTCA-3'

ClinVar aggregate classification (germline): Conflicting classifications of pathogenicity. Review status: criteria provided, conflicting classifications (1 of 4 stars). 13 submissions from 13 submitters: Pathogenic (3); Likely pathogenic (4); Uncertain significance (3). 3 of the submissions do not count toward it. Last evaluated 2025-11-12.

Conditions:
Cardiovascular phenotype. Identifiers: MedGen CN230736.
Familial isolated arrhythmogenic right ventricular dysplasia. Identifiers: Orphanet 217656, MedGen C4274968, MONDO:0016342.
Arrhythmogenic right ventricular cardiomyopathy (ARVD). Also called: Cardiomyopathy, ARVC; Arrhythmogenic Right Ventricular Cardiomyopathy (ARVC); Arrhythmogenic right ventricular dysplasia; Arrhythmogenic cardiomyopathy. Identifiers: Orphanet 247, MedGen C0349788, MeSH D019571, MONDO:0016587. Disease mechanism: loss of function. Inheritance: Various modes of inheritance.
Cardiomyopathy (CMYO). Also called: Cardiomyopathies. Identifiers: Orphanet 167848, MedGen C0878544, MONDO:0004994, HP:0001638. Inheritance: Various modes of inheritance.
Arrhythmogenic right ventricular dysplasia 11. Also called: Arrhythmogenic Right Ventricular Dysplasia/Cardiomyopathy11; Arrhythmogenic right ventricular dysplasia 11 with mild palmoplantar keratoderma and woolly hair; ARRHYTHMOGENIC RIGHT VENTRICULAR DYSPLASIA, FAMILIAL, 11. Identifiers: MedGen C1864850, MONDO:0012506, OMIM 610476.

Allele frequency attached by ClinVar (database versions not stated): ExAC 0.00001; gnomAD exomes 0.00002 and 0.00003; TOPMed 0.00001; gnomAD 0.00001.
gnomAD v4.1: 42 of 1,613,508 alleles (0.0026%); highest among the groups gnomAD compares: Non-Finnish European, 0.0036%; no homozygotes.

Submissions (13):

Labcorp Genetics (formerly Invitae), Labcorp
Classification: Pathogenic for Arrhythmogenic right ventricular dysplasia 11. Last evaluated: 2025-11-12. Review status: criteria provided, single submitter. Criteria: Invitae Variant Classification Sherloc (09022015). Collection method: clinical testing. Allele origin: germline.
Comment: This sequence change affects an acceptor splice site in intron 5 of the DSC2 gene. It is expected to disrupt RNA splicing. Variants that disrupt the donor or acceptor splice site typically lead to a loss of protein function (PMID: 16199547), and loss-of-function variants in DSC2 are known to be pathogenic (PMID: 23911551). This variant is present in population databases (rs397514042, gnomAD 0.004%). Disruption of this splice site has been observed in individual(s) with arrhythmogenic right ventricular cardiomyopathy (PMID: 17186466). ClinVar contains an entry for this variant (Variation ID: 16850). Studies have shown that disruption of this splice site alters mRNA splicing and is expected to lead to the loss of protein expression (PMID: 17186466). For these reasons, this variant has been classified as Pathogenic.

Color Diagnostics, LLC DBA Color Health
Classification: Uncertain significance for Cardiomyopathy. Last evaluated: 2025-07-07. Review status: criteria provided, single submitter. Criteria: ACMG Guidelines, 2015. Collection method: clinical testing. Allele origin: germline.
Comment: This variant alters the canonical splice acceptor site in intron 5 of the DSC2 gene. Computational splicing tools predict that this variant may disrupt splicing. This variant has been reported in at least three unrelated individuals affected with arrhythmogenic cardiomyopathy (PMID: 17186466, 23812740, 31319917, 36138163). This variant has also been identified in 4/251040 chromosomes in the general population by the Genome Aggregation Database (gnomAD), as well as in several individuals without a history of cardiovascular disease (PMID: 25390934, 32665702, 34135346, 36138163). Quantitative real-time PCR in cardiac tissue biopsy of an affected individual has shown that this variant leads to aberrant splicing and reduced DSC2 protein levels (PMID: 17186466). Splice and other loss-of-function DSC2 variants have been observed in individuals affected with arrhythmogenic right ventricular cardiomyopathy. Clinical relevance of loss-of-function DSC2 truncation and splice variants in autosomal dominant cardiovascular disorders is not clearly established. The available evidence is insufficient to determine the role of this variant in disease conclusively. Therefore, this variant is classified as a Variant of Uncertain Significance.

All of Us Research Program, National Institutes of Health
Classification: Uncertain significance for Familial isolated arrhythmogenic right ventricular dysplasia. Last evaluated: 2023-12-01. Review status: criteria provided, single submitter. Criteria: ACMG Guidelines, 2015. Collection method: clinical testing. Allele origin: germline. Inheritance: Autosomal dominant inheritance. Observed: 5 variant alleles, 5 heterozygotes.
Comment: This variant alters the canonical splice acceptor site in intron 5 of the DSC2 gene. Computational splicing tools predict that this variant may disrupt splicing. This variant has been reported in two individuals affected with arrhythmogenic right ventricular cardiomyopathy (PMID: 17186466, 23812740). Quantitative real-time PCR in cardiac tissue biopsy of an affected individual has shown that this variant leads to aberrant splicing and reduced DSC2 protein levels (PMID: 17186466). Splice and other loss-of-function DSC2 variants have been observed in individuals affected with arrhythmogenic right ventricular cardiomyopathy. Although there is a suspicion for a pathogenic role, clinical significance of loss-of-function DSC2 variants in autosomal dominant arrhythmogenic cardiomyopathy is not yet clearly established. Therefore, this variant is classified as a Variant of Uncertain Significance.

This study involves interpretation of variants in research participants for the purpose of population health screening. Participant phenotype was not available at the time of variant classification. Additional details can be found in publication PMID: 35346344, PMCID: PMC8962531

Ambry Genetics
Classification: Likely pathogenic for Cardiovascular phenotype. Last evaluated: 2023-09-08. Review status: criteria provided, single submitter. Criteria: Ambry General Variant Classification Scheme_2022. Collection method: clinical testing. Allele origin: germline.
Comment: The c.631-2A>G intronic variant results from an A to G substitution two nucleotides before from coding exon 6 in the DSC2 gene. This variant has been detected in an individual from an arrhythmogenic right ventricular cardiomyopathy (ARVC) cohort with limited clinical detail, and in an individual reported to meet ARVC diagnostic criteria (Baskin B et al. Hum Genet, 2013 Nov;132:1245-52; Heuser A et al. Am J Hum Genet, 2006 Dec;79:1081-8). This variant has also been detected in several cohorts without known ARVC; however, clinical details were often limited (Mazzarotto F et al. Genet Med, 2021 05;23:856-864; Carruth ED et al. Circ Genom Precis Med, 2021 04;14:e003302; Lacaze P et al. NPJ Genom Med, 2021 Jun;6:51; van Rooij J et al. Genet Med, 2020 11;22:1812-1820; Roman TS et al. Am J Hum Genet, 2020 10;107:596-611; Gierman HJ et al. PLoS One, 2014 Nov;9:e112430). In RNA studies by one group, this alteration resulted in aberrant splicing due to use of a cryptic donor site resulting in a frameshift and premature truncation (Heuser A et al. Am J Hum Genet, 2006 Dec;79:1081-8). This nucleotide position is highly conserved in available vertebrate species. In silico splice site analysis predicts that this alteration will weaken the native splice acceptor site and will result in the creation or strengthening of a novel splice acceptor site. In addition to the clinical data presented in the literature, alterations that disrupt the canonical splice site are expected to cause aberrant splicing, resulting in an abnormal protein or a transcript that is subject to nonsense-mediated mRNA decay. As such, this alteration is classified as likely pathogenic.

Baylor Genetics
Classification: Likely pathogenic for Arrhythmogenic right ventricular dysplasia 11. Last evaluated: 2022-12-09. Review status: criteria provided, single submitter. Criteria: ACMG Guidelines, 2015. Collection method: clinical testing. Allele origin: unknown.

GeneDx
Classification: Pathogenic. Last evaluated: 2022-09-07. Review status: criteria provided, single submitter. Criteria: GeneDx Variant Classification Process June 2021. Collection method: clinical testing. Allele origin: germline. Affected: yes.
Comment: Canonical splice site variant predicted to result in a null allele in a gene for which loss of function is a known mechanism of disease; Not observed at significant frequency in large population cohorts (gnomAD); This variant is associated with the following publications: (PMID: 32466575, 25390934, 33684294, 32853555, 31402444, 32665702, 23812740, 31872082, 34135346, 33087929, 29788292, 33500567, 17186466)

AiLife Diagnostics
Classification: Likely pathogenic. Last evaluated: 2021-12-01. Review status: criteria provided, single submitter. Criteria: ACMG Guidelines, 2015. Collection method: clinical testing. Allele origin: germline. Affected: yes. Observed: 1 variant allele.

Revvity Omics, Revvity
Classification: Pathogenic for Arrhythmogenic right ventricular dysplasia 11. Last evaluated: 2020-12-23. Review status: criteria provided, single submitter. Criteria: ACMG Guidelines, 2015. Collection method: clinical testing. Allele origin: germline.

Laboratory for Molecular Medicine, Mass General Brigham Personalized Medicine
Classification: Uncertain significance for Arrhythmogenic right ventricular cardiomyopathy. Last evaluated: 2019-08-15. Review status: criteria provided, single submitter. Criteria: ACMG Guidelines, 2015. Collection method: clinical testing. Allele origin: germline.
Comment: The c.631-2A>G variant in DSC2 has been reported in 2 individuals with ARVC and 1 individual with LVNC (Heuser 2006, LMM data). This variant has been identified in 4/111556 European chromosomes by the Genome Aggregation Database (gnomAD). This variant occurs in the invariant region (+/- 1,2) of the splice consensus sequence, and in vitro studies confirmed that it leads to aberrant splicing and reduced DSC2 protein levels (Heuser 2006). Splice and other loss-of-function variants in DSC2 have been reported in individuals with ARVC; however, the clinical significance of these variants is not yet fully understood. Although ARVC has primarily been described as a dominant disorder, in several reports of loss-of function variants, only those individuals with a variant on the second allele were affected, suggesting that LOF variants may either act in a recessive manner or have a much milder effect than missense variants. In summary, while there is some suspicion for a pathogenic role in the heterozygous state, the clinical significance of the c.631-2A>G variant, with regard to dominant ARVC is uncertain. ACMG/AMP Criteria applied: PS4_Supporting, PM2, PS3_Moderate.

UNC Molecular Genetics  Laboratory, University of North Carolina at Chapel Hill
Classification: Likely pathogenic for Arrhythmogenic right ventricular cardiomyopathy, type 11. Review status: criteria provided, single submitter. Criteria: ACMG Guidelines, 2015. Collection method: research. Allele origin: germline. Affected: no. Observed: 1 variant allele. Study: NSIGHT-NC NEXUS.
Comment: This variant alters a canonical splice acceptor site in DSC2. This variant has been described previously in the heterozygous state in a patient with autosomal dominant arrhythmogenic right ventricular cardiomyopathy (PMID: 17186466).

OMIM
Classification: Pathogenic for ARRHYTHMOGENIC RIGHT VENTRICULAR DYSPLASIA, FAMILIAL, 11. Last evaluated: 2006-12-01. Review status: no assertion criteria provided. Collection method: literature only. Allele origin: germline. Not counted in ClinVar's aggregate classification.

Clinical Genetics DNA and cytogenetics Diagnostics Lab, Erasmus MC, Erasmus Medical Center
Classification: Pathogenic. Review status: no assertion criteria provided. Collection method: clinical testing. Allele origin: germline. Affected: yes. Study: VKGL Data-share Consensus. Not counted in ClinVar's aggregate classification.

Joint Genome Diagnostic Labs from Nijmegen and Maastricht, Radboudumc and MUMC+
Classification: Pathogenic. Review status: no assertion criteria provided. Collection method: clinical testing. Allele origin: germline. Affected: yes. Study: VKGL Data-share Consensus. Not counted in ClinVar's aggregate classification.

Literature cited by the submitters: PubMed 16199547 (cited by Labcorp Genetics (formerly Invitae), Labcorp); PubMed 23911551 (cited by Labcorp Genetics (formerly Invitae), Labcorp); PubMed 17186466 (cited by 8 submitters); PubMed 23812740 (cited by 4 submitters); PubMed 25390934 (cited by 5 submitters); PubMed 31319917 (cited by Color Diagnostics, LLC DBA Color Health); PubMed 32665702 (cited by 3 submitters); PubMed 34135346 (cited by 3 submitters); PubMed 36138163 (cited by Color Diagnostics, LLC DBA Color Health); PubMed 31402444 (cited by Ambry Genetics and AiLife Diagnostics); PubMed 32853555 (cited by Ambry Genetics and AiLife Diagnostics); PubMed 33087929 (cited by Ambry Genetics and AiLife Diagnostics); PubMed 33500567 (cited by Ambry Genetics); PubMed 33684294 (cited by Ambry Genetics and AiLife Diagnostics); PubMed 17363426 (cited by Laboratory for Molecular Medicine, Mass General Brigham Personalized Medicine).